The following is an entry in ClinVar:

ClinVar aggregate classification (germline): Uncertain significance (1 of 4 stars; one submission).

Conditions:
Rubinstein-Taybi syndrome (RSTS). Identifiers: Orphanet 783, MedGen C0035934, MONDO:0019188.

Submission:

Labcorp Genetics (formerly Invitae), Labcorp
Classification: Uncertain significance for Rubinstein-Taybi syndrome. Last evaluated: 2022-10-10. Review status: criteria provided, single submitter. Criteria: Invitae Variant Classification Sherloc (09022015). Collection method: clinical testing. Allele origin: germline.
Comment: Algorithms developed to predict the effect of missense changes on protein structure and function output the following: SIFT: "Tolerated"; PolyPhen-2: "Benign"; Align-GVGD: "Class C0". The serine amino acid residue is found in multiple mammalian species, which suggests that this missense change does not adversely affect protein function. This variant has not been reported in the literature in individuals affected with CREBBP-related conditions. In summary, the available evidence is currently insufficient to determine the role of this variant in disease. Therefore, it has been classified as a Variant of Uncertain Significance. This sequence change replaces asparagine, which is neutral and polar, with serine, which is neutral and polar, at codon 108 of the CREBBP protein (p.Asn108Ser). This variant is not present in population databases (gnomAD no frequency).

NM_004380.3(CREBBP):c.323A>G (p.Asn108Ser)

Gene: CREBBP (CREB binding lysine acetyltransferase; minus strand). Cytogenetic location: 16p13.3.
Variant type: single nucleotide variant.
Coding change: c.323A>G on transcript NM_004380.3 (MANE Select); coding-DNA position 323, A replaced by G.
Protein change: p.Asn108Ser; replaces asparagine 108 with serine.
Molecular consequence: missense variant.
Genome position (GRCh38, 1-based): chr16:3,850,772, T>C on the plus strand (A>G on the coding strand, the complement: CREBBP is on the minus strand). VCF-style: chr16-3850772-T-C. GRCh37 (hg19) VCF-style: chr16-3900773-T-C.
Other names: c.323A>G, p.Asn108Ser (NM_001079846.1); short protein forms N108S.
Identifiers: ClinVar variation 1899249 (VCV001899249.5), dbSNP rs2548546023, ClinGen allele CA394561566.